The following is an entry in ClinVar:

NM_020297.4(ABCC9):c.3911A>C (p.Glu1304Ala)

Genes: ABCC9 (ATP binding cassette subfamily C member 9; minus strand), KCNJ8-AS1 (KCNJ8 antisense RNA 1; plus strand). Cytogenetic location: 12p12.1.
Variant type: single nucleotide variant.
Coding change: c.3911A>C on transcript NM_020297.4 (MANE Select); coding-DNA position 3911, A replaced by C.
Protein change: p.Glu1304Ala; replaces glutamic acid 1304 with alanine.
Molecular consequence: missense variant.
Genome position (GRCh38, 1-based): chr12:21,815,875, T>G on the plus strand (A>C on the coding strand, the complement: ABCC9 is on the minus strand). VCF-style: chr12-21815875-T-G. GRCh37 (hg19) VCF-style: chr12-21968809-T-G.
Other names: c.3911A>C, p.Glu1304Ala (NM_001377273.1, NM_005691.4); c.3044A>C, p.Glu1015Ala (NM_001377274.1); short protein forms E1015A, E1304A.
Identifiers: ClinVar variation 4860320 (VCV004860320.1).
Genomic context (GRCh38, chr12:21,815,875, plus strand): 5'-TTATTTTCATATCTGACACACAGATCATGTATCTTGATCTCCCCTTCTTGTGGCCAATGT[T>G]CTGGAACTTGAGAAGGATCTGGAGGATGGGATGGGGAAATAGACAGATAATAGGCAGATA-3'
Protein context (NP_064693.2, residues 1294-1314): EGTMDPSQVP[Glu1304Ala]HWPQEGEIKI

ClinVar aggregate classification (germline): Uncertain significance (1 of 4 stars; one submission).

Conditions:
Cardiovascular phenotype. Identifiers: MedGen CN230736.

gnomAD v4.1: 1 of 1,613,128 alleles (0.000062%); highest among the groups gnomAD compares: Non-Finnish European, 0.000085%; no homozygotes.

Submission:

Ambry Genetics
Classification: Uncertain significance for Cardiovascular phenotype. Last evaluated: 2026-05-24. Review status: criteria provided, single submitter. Criteria: Ambry Variant Classification Scheme 2023. Collection method: clinical testing. Allele origin: germline.
Comment: The p.E1304A variant (also known as c.3911A>C), located in coding exon 32 of the ABCC9 gene, results from an A to C substitution at nucleotide position 3911. The glutamic acid at codon 1304 is replaced by alanine, an amino acid with dissimilar properties. This amino acid position is conserved. In addition, the in silico prediction for this alteration is inconclusive. Based on the available evidence, the clinical significance of this variant remains unclear.